The following is an entry in ClinVar:

NM_172107.4(KCNQ2):c.982C>A (p.His328Asn)

Gene: KCNQ2 (potassium voltage-gated channel subfamily Q member 2; minus strand). Cytogenetic location: 20q13.33.
Variant type: single nucleotide variant.
Coding change: c.982C>A on transcript NM_172107.4 (MANE Select); coding-DNA position 982, C replaced by A.
Protein change: p.His328Asn; replaces histidine 328 with asparagine.
Molecular consequence: missense variant.
Genome position (GRCh38, 1-based): chr20:63,438,666, G>T on the plus strand (C>A on the coding strand, the complement: KCNQ2 is on the minus strand). VCF-style: chr20-63438666-G-T. GRCh37 (hg19) VCF-style: chr20-62070019-G-T.
Other names: c.982C>A, p.His328Asn (NM_004518.6, NM_172106.3, NM_172108.5 and 1 more transcripts); short protein forms H328N.
Identifiers: ClinVar variation 431951 (VCV000431951.11), dbSNP rs1555869803, ClinGen allele CA409652163.

ClinVar aggregate classification (germline): Conflicting classifications of pathogenicity. Review status: criteria provided, conflicting classifications (1 of 4 stars). 2 submissions from 2 submitters: Likely pathogenic (1); Uncertain significance (1). Last evaluated 2020-08-20.

Conditions:
Early-infantile DEE. Also called: Early infantile epileptic encephalopathy; Ohtahara syndrome; Early infantile epileptic encephalopathy with suppression bursts. Identifiers: Orphanet 1934, MedGen C0393706, MONDO:0800491.

Submissions (2):

Labcorp Genetics (formerly Invitae), Labcorp
Classification: Uncertain significance for Early-infantile DEE. Last evaluated: 2020-08-20. Review status: criteria provided, single submitter. Criteria: Invitae Variant Classification Sherloc (09022015). Collection method: clinical testing. Allele origin: germline.
Comment: In summary, the available evidence is currently insufficient to determine the role of this variant in disease. Therefore, it has been classified as a Variant of Uncertain Significance. Advanced modeling of protein sequence and biophysical properties (such as structural, functional, and spatial information, amino acid conservation, physicochemical variation, residue mobility, and thermodynamic stability) performed at Invitae indicates that this missense variant is expected to disrupt KCNQ2 protein function. This variant has not been reported in the literature in individuals with KCNQ2-related conditions. ClinVar contains an entry for this variant (Variation ID: 431951). This variant is not present in population databases (ExAC no frequency). This sequence change replaces histidine with asparagine at codon 328 of the KCNQ2 protein (p.His328Asn). The histidine residue is highly conserved and there is a small physicochemical difference between histidine and asparagine.

GeneDx
Classification: Likely pathogenic. Last evaluated: 2015-11-01. Review status: criteria provided, single submitter. Criteria: GeneDx Variant Classification (06012015). Collection method: clinical testing. Allele origin: germline. Affected: yes.
Comment: The H328N variant in the KCNQ2 gene has not been reported previously as a pathogenic variant, nor as a benign variant, to our knowledge. The H328N variant was not observed in approximately 6,500 individuals of European and African American ancestry in the NHLBI Exome Sequencing Project, indicating it is not a common benign variant in these populations. The H328N variant is a semi-conservative amino acid substitution, which may impact secondary protein structure as these residues differ in some properties. This substitution occurs at a position that is conserved across species, and in silico analysis predicts this variant is probably damaging to the protein structure/function. Missense variants in nearby residues (H324R, R325G, R333W, R333Q) have been reported in the Human Gene Mutation Database in association with epilepsy and epileptic encephalopathy (Stenson et al., 2014), supporting the functional importance of this region of the protein. The H328N variant is a strong candidate for a pathogenic variant however, the possibility it may be a rare benign variant cannot be excluded.